The following is an entry in ClinVar:

NM_002905.5(RDH5):c.900C>G (p.Ser300Arg)

Genes: BLOC1S1-RDH5 (BLOC1S1-RDH5 readthrough; plus strand), CD63 (CD63 molecule; minus strand), RDH5 (retinol dehydrogenase 5; plus strand). Cytogenetic location: 12q13.2.
Variant type: single nucleotide variant.
Coding change: c.900C>G on transcript NM_002905.5 (MANE Select); coding-DNA position 900, C replaced by G.
Protein change: p.Ser300Arg; replaces serine 300 with arginine.
Molecular consequence: missense variant. On other transcripts: non-coding transcript variant (1).
Genome position (GRCh38, 1-based): chr12:55,724,488, C>G. VCF-style: chr12-55724488-C-G. GRCh37 (hg19) VCF-style: chr12-56118272-C-G.
Other names: c.900C>G, p.Ser300Arg (NM_001199771.3); short protein forms S300R.
Identifiers: ClinVar variation 882947 (VCV000882947.11), dbSNP rs769652740, ClinGen allele CA6616983.

ClinVar aggregate classification (germline): Uncertain significance. Review status: criteria provided, multiple submitters, no conflicts (2 of 4 stars). 4 submissions from 4 submitters: Uncertain significance (4). Last evaluated 2025-12-16.

Conditions:
Pigmentary retinal dystrophy. Also called: Fundus albipunctatus. Identifiers: Orphanet 227796, Orphanet 52427, MedGen C0311338, MONDO:0007639, OMIM 136880, HP:0030642.
Inborn genetic diseases. Identifiers: MedGen C0950123, MeSH D030342.

Allele frequency attached by ClinVar (database versions not stated): gnomAD 0.00001; gnomAD exomes 0.00001; TOPMed 0.00001.
gnomAD v4.1: 14 of 1,613,592 alleles (0.00087%); highest among the groups gnomAD compares: South Asian, 0.0011%; no homozygotes.

Submissions (4):

Ambry Genetics
Classification: Uncertain significance for Inborn genetic diseases. Last evaluated: 2025-12-16. Review status: criteria provided, single submitter. Criteria: Ambry Variant Classification Scheme 2023. Collection method: clinical testing. Allele origin: germline.

Blueprint Genetics
Classification: Uncertain significance. Last evaluated: 2024-03-11. Review status: criteria provided, single submitter. Criteria: ACMG Guidelines, 2015. Collection method: clinical testing. Allele origin: germline.

Labcorp Genetics (formerly Invitae), Labcorp
Classification: Uncertain significance. Last evaluated: 2023-12-11. Review status: criteria provided, single submitter. Criteria: Invitae Variant Classification Sherloc (09022015). Collection method: clinical testing. Allele origin: germline.
Comment: This sequence change replaces serine, which is neutral and polar, with arginine, which is basic and polar, at codon 300 of the RDH5 protein (p.Ser300Arg). This variant is present in population databases (rs769652740, gnomAD 0.003%). This variant has not been reported in the literature in individuals affected with RDH5-related conditions. ClinVar contains an entry for this variant (Variation ID: 882947). Advanced modeling of protein sequence and biophysical properties (such as structural, functional, and spatial information, amino acid conservation, physicochemical variation, residue mobility, and thermodynamic stability) performed at Invitae indicates that this missense variant is not expected to disrupt RDH5 protein function with a negative predictive value of 80%. In summary, the available evidence is currently insufficient to determine the role of this variant in disease. Therefore, it has been classified as a Variant of Uncertain Significance.

Illumina Laboratory Services, Illumina
Classification: Uncertain significance for Pigmentary retinal dystrophy. Last evaluated: 2018-01-13. Review status: criteria provided, single submitter. Criteria: ICSL Variant Classification Criteria 13 December 2019. Collection method: clinical testing. Allele origin: germline.